The following is an entry in ClinVar:

NM_001172779.2(LRRC34):c.528+1G>A

Gene: LRRC34 (leucine rich repeat containing 34; minus strand). Cytogenetic location: 3q26.2.
Variant type: single nucleotide variant.
Coding change: c.528+1G>A on transcript NM_001172779.2 (MANE Select); the canonical splice donor site of the intron after coding-DNA position 528, G replaced by A.
Molecular consequence: splice donor variant.
Genome position (GRCh38, 1-based): chr3:169,806,847, C>T on the plus strand (G>A on the coding strand, the complement: LRRC34 is on the minus strand). VCF-style: chr3-169806847-C-T. GRCh37 (hg19) VCF-style: chr3-169524635-C-T.
Other names: c.345+1G>A (NM_001370608.1, NM_001363888.2, NM_001370609.1); c.528+1G>A (NM_153353.5, NM_001172780.2).
Identifiers: ClinVar variation 3338208 (VCV003338208.2).

ClinVar aggregate classification (germline): Uncertain significance (0 of 4 stars; one submission).

Conditions:
Autism (AUTS). Also called: Autistic disorder of childhood onset; Autistic disorder. Identifiers: MedGen C0004352, MeSH D001321, MONDO:0005260, OMIM 209850, HP:0000717.

Submission:

Centre for Addiction & Mental Health
Classification: Uncertain significance for Autism. Review status: no assertion criteria provided. Collection method: research. Allele origin: biparental. Affected: yes. Observed: 1 homozygote. Segregation with disease observed.
Comment: Gene not previously associated with disease; independent supportng evidence needed